The following is an entry in ClinVar:

NM_000038.6(APC):c.4566A>T (p.Leu1522Phe)

Gene: APC (APC regulator of Wnt signaling pathway; plus strand). Cytogenetic location: 5q22.2.
Variant type: single nucleotide variant.
Coding change: c.4566A>T on transcript NM_000038.6 (MANE Select); coding-DNA position 4566, A replaced by T.
Protein change: p.Leu1522Phe; replaces leucine 1522 with phenylalanine.
Molecular consequence: missense variant.
Genome position (GRCh38, 1-based): chr5:112,840,160, A>T. VCF-style: chr5-112840160-A-T. GRCh37 (hg19) VCF-style: chr5-112175857-A-T.
Other names: c.4566A>T, p.Leu1522Phe (NM_001127510.3, NM_001354895.2); c.4512A>T, p.Leu1504Phe (NM_001127511.3); c.4620A>T, p.Leu1540Phe (NM_001354896.2); c.4596A>T, p.Leu1532Phe (NM_001354897.2); c.4491A>T, p.Leu1497Phe (NM_001354898.2); c.4482A>T, p.Leu1494Phe (NM_001354899.2); c.4443A>T, p.Leu1481Phe (NM_001354900.2); c.4389A>T, p.Leu1463Phe (NM_001354901.2); and 5 more; short protein forms L1362F, L1532F, L1504F, L1239F, L1396F, L1431F, L1494F, L1522F.
Identifiers: ClinVar variation 1492875 (VCV001492875.8), dbSNP rs2149917695, ClinGen allele CA16031329.

ClinVar aggregate classification (germline): Uncertain significance (1 of 4 stars; one submission).

Conditions:
Familial adenomatous polyposis 1 (FAP1). Also called: FAMILIAL ADENOMATOUS POLYPOSIS 1, ATTENUATED; POLYPOSIS, ADENOMATOUS INTESTINAL. Identifiers: MedGen C2713442, MONDO:0021056, OMIM 175100. Disease mechanism: loss of function.

Submission:

Labcorp Genetics (formerly Invitae), Labcorp
Classification: Uncertain significance for Familial adenomatous polyposis 1. Last evaluated: 2020-12-10. Review status: criteria provided, single submitter. Criteria: Invitae Variant Classification Sherloc (09022015). Collection method: clinical testing. Allele origin: germline.
Comment: In summary, the available evidence is currently insufficient to determine the role of this variant in disease. Therefore, it has been classified as a Variant of Uncertain Significance. Algorithms developed to predict the effect of missense changes on protein structure and function are either unavailable or do not agree on the potential impact of this missense change (SIFT: "Tolerated"; PolyPhen-2: "Probably Damaging"; Align-GVGD: "Class C0"). This variant has not been reported in the literature in individuals with APC-related conditions. This variant is not present in population databases (ExAC no frequency). This sequence change replaces leucine with phenylalanine at codon 1522 of the APC protein (p.Leu1522Phe). The leucine residue is highly conserved and there is a small physicochemical difference between leucine and phenylalanine.